The following is an entry in ClinVar:

ClinVar aggregate classification (germline): Uncertain significance. Review status: criteria provided, multiple submitters, no conflicts (2 of 4 stars). 3 submissions from 3 submitters: Uncertain significance (2). 1 of the submissions does not count toward it. Last evaluated 2022-12-26.

Conditions:
Retinitis pigmentosa 25 (RP25). Identifiers: Orphanet 791, MedGen C1864446, MONDO:0011272, OMIM 602772.

Allele frequency attached by ClinVar (database versions not stated): TOPMed 0.00002; gnomAD 0.00003 and 0.00004.
gnomAD v4.1: 51 of 1,551,028 alleles (0.0033%); highest among the groups gnomAD compares: African/African-American, 0.011%; no homozygotes.

Submissions (3):

Blueprint Genetics
Classification: Uncertain significance. Last evaluated: 2022-12-26. Review status: criteria provided, single submitter. Criteria: ACMG Guidelines, 2015. Collection method: clinical testing. Allele origin: germline.

Labcorp Genetics (formerly Invitae), Labcorp
Classification: Uncertain significance. Last evaluated: 2021-09-02. Review status: criteria provided, single submitter. Criteria: Invitae Variant Classification Sherloc (09022015). Collection method: clinical testing. Allele origin: germline.
Comment: This sequence change replaces glutamic acid with glutamine at codon 3068 of the EYS protein (p.Glu3068Gln). The glutamic acid residue is highly conserved and there is a small physicochemical difference between glutamic acid and glutamine. This variant is not present in population databases (ExAC no frequency). This missense change has been observed in individual(s) with retinal dystrophy (PMID: 23591405). Algorithms developed to predict the effect of missense changes on protein structure and function output the following: SIFT: "Deleterious"; PolyPhen-2: "Probably Damaging"; Align-GVGD: "Class C0". The glutamine amino acid residue is found in multiple mammalian species, which suggests that this missense change does not adversely affect protein function. Algorithms developed to predict the effect of sequence changes on RNA splicing suggest that this variant may create or strengthen a splice site. In summary, the available evidence is currently insufficient to determine the role of this variant in disease. Therefore, it has been classified as a Variant of Uncertain Significance.

Natera, Inc.
Classification: Uncertain significance for Retinitis pigmentosa type 25. Last evaluated: 2020-10-20. Review status: no assertion criteria provided. Collection method: clinical testing. Allele origin: germline. Not counted in ClinVar's aggregate classification.

Literature cited by the submitters: PubMed 23591405 (cited by Labcorp Genetics (formerly Invitae), Labcorp).

NM_001142800.2(EYS):c.9202G>C (p.Glu3068Gln)

Genes: EYS (EGF-like photoreceptor maintenance factor; minus strand), PHF3 (PHD finger protein 3; plus strand). Cytogenetic location: 6q12.
Variant type: single nucleotide variant.
Coding change: c.9202G>C on transcript NM_001142800.2 (MANE Select); coding-DNA position 9202, G replaced by C.
Protein change: p.Glu3068Gln; replaces glutamic acid 3068 with glutamine.
Molecular consequence: missense variant. On other transcripts: 3 prime UTR variant (5).
Genome position (GRCh38, 1-based): chr6:63,720,829, C>G on the plus strand (G>C on the coding strand, the complement: EYS is on the minus strand). VCF-style: chr6-63720829-C-G. GRCh37 (hg19) VCF-style: chr6-64430725-C-G.
Other names: c.*7121C>G (NM_001290259.2, NM_001370348.2, NM_001370349.2 and 2 more transcripts); c.9265G>C, p.Glu3089Gln (NM_001292009.2); short protein forms E3068Q, E3089Q.
Identifiers: ClinVar variation 1016097 (VCV001016097.8), dbSNP rs1241787129, ClinGen allele CA364383022.